The following is an entry in ClinVar:

NM_005188.4(CBL):c.787G>A (p.Val263Ile)

Gene: CBL (Cbl proto-oncogene; plus strand). Cytogenetic location: 11q23.3.
Variant type: single nucleotide variant.
Coding change: c.787G>A on transcript NM_005188.4 (MANE Select); coding-DNA position 787, G replaced by A.
Protein change: p.Val263Ile; replaces valine 263 with isoleucine.
Molecular consequence: missense variant.
Genome position (GRCh38, 1-based): chr11:119,274,871, G>A. VCF-style: chr11-119274871-G-A. GRCh37 (hg19) VCF-style: chr11-119145581-G-A.
Other names: short protein forms V263I.
Identifiers: ClinVar variation 2330417 (VCV002330417.5), dbSNP rs1477712322, ClinGen allele CA382910754.
Genomic context (GRCh38, chr11:119,274,871, plus strand): 5'-TGATTGATCTTGTTTCTTTAGCCCTGGTCCTCTTTGCTCAGGAATTGGAACAGCCTTGCT[G>A]TAACTCATCCTGGCTACATGGCTTTTTTGACGTATGACGAAGTGAAAGCTCGGCTCCAGA-3'
Protein context (NP_005179.2, residues 253-273): SLLRNWNSLA[Val263Ile]THPGYMAFLT

ClinVar aggregate classification (germline): Uncertain significance. Review status: criteria provided, multiple submitters, no conflicts (2 of 4 stars). 2 submissions from 2 submitters: Uncertain significance (2). Last evaluated 2025-05-18.

Conditions:
RASopathy. Also called: rasopathies; Noonan spectrum disorder. Identifiers: Orphanet 536391, MedGen C5555857, MONDO:0021060.
Cardiovascular phenotype. Identifiers: MedGen CN230736.

Allele frequency attached by ClinVar (database versions not stated): gnomAD exomes below 0.00001; TOPMed below 0.00001.

Submissions (2):

Labcorp Genetics (formerly Invitae), Labcorp
Classification: Uncertain significance for RASopathy. Last evaluated: 2025-05-18. Review status: criteria provided, single submitter. Criteria: Invitae Variant Classification Sherloc (09022015). Collection method: clinical testing. Allele origin: germline.
Comment: This sequence change replaces valine, which is neutral and non-polar, with isoleucine, which is neutral and non-polar, at codon 263 of the CBL protein (p.Val263Ile). This variant is not present in population databases (gnomAD no frequency). This variant has not been reported in the literature in individuals affected with CBL-related conditions. ClinVar contains an entry for this variant (Variation ID: 2330417). Invitae Evidence Modeling of protein sequence and biophysical properties (such as structural, functional, and spatial information, amino acid conservation, physicochemical variation, residue mobility, and thermodynamic stability) indicates that this missense variant is not expected to disrupt CBL protein function with a negative predictive value of 95%. In summary, the available evidence is currently insufficient to determine the role of this variant in disease. Therefore, it has been classified as a Variant of Uncertain Significance.

Ambry Genetics
Classification: Uncertain significance for Cardiovascular phenotype. Last evaluated: 2024-12-29. Review status: criteria provided, single submitter. Criteria: Ambry Variant Classification Scheme 2023. Collection method: clinical testing. Allele origin: germline.
Comment: The p.V263I variant (also known as c.787G>A), located in coding exon 5 of the CBL gene, results from a G to A substitution at nucleotide position 787. The valine at codon 263 is replaced by isoleucine, an amino acid with highly similar properties. This amino acid position is conserved. In addition, the in silico prediction for this alteration is inconclusive. Based on the available evidence, the clinical significance of this variant remains unclear.